The following is an entry in ClinVar:

NM_001199397.3(NEK1):c.3295G>C (p.Asp1099His)

Gene: NEK1 (NIMA related kinase 1; minus strand). Cytogenetic location: 4q33.
Variant type: single nucleotide variant.
Coding change: c.3295G>C on transcript NM_001199397.3 (MANE Select); coding-DNA position 3295, G replaced by C.
Protein change: p.Asp1099His; replaces aspartic acid 1099 with histidine.
Molecular consequence: missense variant. On other transcripts: non-coding transcript variant (1).
Genome position (GRCh38, 1-based): chr4:169,406,675, C>G on the plus strand (G>C on the coding strand, the complement: NEK1 is on the minus strand). VCF-style: chr4-169406675-C-G. GRCh37 (hg19) VCF-style: chr4-170327826-C-G.
Other names: c.3211G>C (NM_012224.2); c.3163G>C, p.Asp1055His (NM_001199398.3); c.3004G>C, p.Asp1002His (NM_001199399.3); c.3079G>C, p.Asp1027His (NM_001199400.3); c.3295G>C, p.Asp1099His (NM_001374418.1); c.3211G>C, p.Asp1071His (NM_001374419.1, NM_012224.4); c.3160G>C, p.Asp1054His (NM_001374420.1); c.2812G>C, p.Asp938His (NM_001374421.1); short protein forms D1027H, D1055H, D1099H, D938H, D1002H, D1054H, D1071H.
Identifiers: ClinVar variation 932039 (VCV000932039.9), dbSNP rs765205496, ClinGen allele CA3137187.
Genomic context (GRCh38, chr4:169,406,675, plus strand): 5'-GTCCTTCTTTAATGTTTTCATCTTCAATTTCATCTATTTCAAGATTGTCTTGACGAACAT[C>G]TCCTACGGTGGGAACATCCATAAGGGTTCTGAACAGCTTTGAGAGATCTGGAAGTGAACA-3'
Protein context (NP_001186326.1, residues 1089-1109): RTLMDVPTVG[Asp1099His]VRQDNLEIDE

ClinVar aggregate classification (germline): Uncertain significance. Review status: criteria provided, multiple submitters, no conflicts (2 of 4 stars). 4 submissions from 4 submitters: Uncertain significance (4). Last evaluated 2025-08-19.

Conditions:
Inborn genetic diseases. Identifiers: MedGen C0950123, MeSH D030342.
Short-rib thoracic dysplasia 6 with or without polydactyly (SRTD6). Also called: Majewski Syndrome; SHORT-RIB THORACIC DYSPLASIA 6 WITH POLYDACTYLY; SHORT-RIB THORACIC DYSPLASIA 6 WITHOUT POLYDACTYLY; POLYDACTYLY WITH NEONATAL CHONDRODYSTROPHY, TYPE II; SHORT RIB-POLYDACTYLY SYNDROME, TYPE IIA. Identifiers: MedGen C0024507, MONDO:0009894, OMIM 263520.

Allele frequency attached by ClinVar (database versions not stated): gnomAD 0.00001; ExAC 0.00002; TOPMed 0.00002; gnomAD exomes 0.00004.
gnomAD v4.1: 23 of 1,610,056 alleles (0.0014%); highest among the groups gnomAD compares: Middle Eastern, 0.082%; no homozygotes.

Submissions (4):

Labcorp Genetics (formerly Invitae), Labcorp
Classification: Uncertain significance for Short-rib thoracic dysplasia 6 with or without polydactyly. Last evaluated: 2025-08-19. Review status: criteria provided, single submitter. Criteria: Invitae Variant Classification Sherloc (09022015). Collection method: clinical testing. Allele origin: germline.
Comment: This sequence change replaces aspartic acid, which is acidic and polar, with histidine, which is basic and polar, at codon 1071 of the NEK1 protein (p.Asp1071His). This variant is present in population databases (rs765205496, gnomAD 0.009%). This variant has not been reported in the literature in individuals affected with NEK1-related conditions. ClinVar contains an entry for this variant (Variation ID: 932039). Invitae Evidence Modeling of protein sequence and biophysical properties (such as structural, functional, and spatial information, amino acid conservation, physicochemical variation, residue mobility, and thermodynamic stability) indicates that this missense variant is expected to disrupt NEK1 protein function with a positive predictive value of 80%. In summary, the available evidence is currently insufficient to determine the role of this variant in disease. Therefore, it has been classified as a Variant of Uncertain Significance.

Ambry Genetics
Classification: Uncertain significance for Inborn genetic diseases. Last evaluated: 2025-08-04. Review status: criteria provided, single submitter. Criteria: Ambry Variant Classification Scheme 2023. Collection method: clinical testing. Allele origin: germline.

Baylor Genetics
Classification: Uncertain significance for Short-rib thoracic dysplasia 6 with or without polydactyly. Last evaluated: 2020-07-08. Review status: criteria provided, single submitter. Criteria: ACMG Guidelines, 2015. Collection method: clinical testing. Allele origin: unknown. Affected: yes.
Comment: This variant was determined to be of uncertain significance according to ACMG Guidelines, 2015 [PMID:25741868].

Centre for Mendelian Genomics, University Medical Centre Ljubljana
Classification: Uncertain significance for Short-rib thoracic dysplasia 6 with or without polydactyly. Last evaluated: 2019-05-09. Review status: criteria provided, single submitter. Criteria: ACMG Guidelines, 2015. Collection method: clinical testing. Allele origin: unknown. Affected: yes.
Comment: This variant was classified as: Uncertain significance. The available evidence on this variant's pathogenicity is insufficient or conflicting. The following ACMG criteria were applied in classifying this variant: PP3.